The following is an entry in ClinVar:

NM_024867.4(SPEF2):c.3801+3A>G

Gene: SPEF2 (sperm flagellar and cilia associated 2; plus strand). Cytogenetic location: 5p13.2.
Variant type: single nucleotide variant.
Coding change: c.3801+3A>G on transcript NM_024867.4 (MANE Select); 3 bases into the intron after coding-DNA position 3801, A replaced by G.
Molecular consequence: intron variant.
Genome position (GRCh38, 1-based): chr5:35,763,705, A>G. VCF-style: chr5-35763705-A-G. GRCh37 (hg19) VCF-style: chr5-35763807-A-G.
Other names: c.3801+3A>G (NM_024867.3).
Identifiers: ClinVar variation 2655400 (VCV002655400.24), dbSNP rs368578553, ClinGen allele CA3231199.

ClinVar aggregate classification (germline): Likely benign. Review status: criteria provided, single submitter (1 of 4 stars). 2 submissions from 2 submitters: Likely benign (1). 1 of the submissions does not count toward it. Last evaluated 2023-10-01.

Conditions:
SPEF2-related disorder. Also called: SPEF2-related condition.

Allele frequency attached by ClinVar (database versions not stated): ESP Exome Variant Server 0.00008; gnomAD exomes 0.00010; gnomAD 0.00011; TOPMed 0.00018; ExAC 0.00019.
gnomAD v4.1: 172 of 1,603,240 alleles (0.011%); highest among the groups gnomAD compares: Admixed American, 0.007%; no homozygotes.

Submissions (2):

CeGaT Center for Human Genetics Tuebingen
Classification: Likely benign. Last evaluated: 2023-10-01. Review status: criteria provided, single submitter. Criteria: CeGaT Center For Human Genetics Tuebingen Variant Classification Criteria Version 2. Collection method: clinical testing. Allele origin: germline. Affected: yes. Observed: 1 variant allele.
Comment: SPEF2: BP4

PreventionGenetics, part of Exact Sciences
Classification: Likely benign for SPEF2-related condition. Last evaluated: 2024-09-25. Review status: no assertion criteria provided. Collection method: clinical testing. Allele origin: germline. Not counted in ClinVar's aggregate classification.
Comment: This variant is classified as likely benign based on ACMG/AMP sequence variant interpretation guidelines (Richards et al. 2015 PMID: 25741868, with internal and published modifications).